The following is an entry in ClinVar:

ClinVar aggregate classification (germline): Likely benign. Review status: criteria provided, multiple submitters, no conflicts (2 of 4 stars). 4 submissions from 4 submitters: Likely benign (3). 1 of the submissions does not count toward it. Last evaluated 2026-02-01.

Conditions:
Familial thoracic aortic aneurysm and aortic dissection (TAAD). Also called: Thoracic aortic aneurysms and dissections. Identifiers: Orphanet 91387, MedGen C4707243, MONDO:0019625.
SMAD3-related disorder. Also called: SMAD3-related condition.

Allele frequency attached by ClinVar (database versions not stated): TOPMed below 0.00001; gnomAD 0.00001; ExAC 0.00002; gnomAD exomes 0.00004; ESP Exome Variant Server 0.00008.
gnomAD v4.1: 14 of 1,613,788 alleles (0.00087%); highest among the groups gnomAD compares: Admixed American, 0.01%; no homozygotes.

Submissions (4):

CeGaT Center for Human Genetics Tuebingen
Classification: Likely benign. Last evaluated: 2026-02-01. Review status: criteria provided, single submitter. Criteria: CeGaT Center For Human Genetics Tuebingen Variant Classification Criteria Version 2. Collection method: clinical testing. Allele origin: germline. Affected: yes. Observed: 2 variant alleles.
Comment: SMAD3: BP4

Labcorp Genetics (formerly Invitae), Labcorp
Classification: Likely benign for Familial thoracic aortic aneurysm and aortic dissection. Last evaluated: 2026-01-06. Review status: criteria provided, single submitter. Criteria: Invitae Variant Classification Sherloc (09022015). Collection method: clinical testing. Allele origin: germline.

Women's Health and Genetics/Laboratory Corporation of America, LabCorp
Classification: Likely benign. Last evaluated: 2025-04-29. Review status: criteria provided, single submitter. Criteria: LabCorp Variant Classification Summary - May 2015. Collection method: clinical testing. Allele origin: germline.

PreventionGenetics, part of Exact Sciences
Classification: Likely benign for SMAD3-related condition. Last evaluated: 2020-11-11. Review status: no assertion criteria provided. Collection method: clinical testing. Allele origin: germline. Not counted in ClinVar's aggregate classification.
Comment: This variant is classified as likely benign based on ACMG/AMP sequence variant interpretation guidelines (Richards et al. 2015 PMID: 25741868, with internal and published modifications).

NM_005902.4(SMAD3):c.532+8C>T

Gene: SMAD3 (SMAD family member 3; plus strand). Cytogenetic location: 15q22.33.
Variant type: single nucleotide variant.
Coding change: c.532+8C>T on transcript NM_005902.4 (MANE Select); 8 bases into the intron after coding-DNA position 532, C replaced by T.
Molecular consequence: intron variant.
Genome position (GRCh38, 1-based): chr15:67,165,392, C>T. VCF-style: chr15-67165392-C-T. GRCh37 (hg19) VCF-style: chr15-67457730-C-T.
Other names: c.217+8C>T (NM_001145102.2); c.400+8C>T (NM_001145103.2).
Identifiers: ClinVar variation 240269 (VCV000240269.17), dbSNP rs370879516, ClinGen allele CA062355.